The following is an entry in ClinVar:

NM_001136191.3(KANK2):c.2179C>T (p.Arg727Trp)

Gene: KANK2 (KN motif and ankyrin repeat domains 2; minus strand). Cytogenetic location: 19p13.2.
Variant type: single nucleotide variant.
Coding change: c.2179C>T on transcript NM_001136191.3 (MANE Select); coding-DNA position 2179, C replaced by T.
Protein change: p.Arg727Trp; replaces arginine 727 with tryptophan.
Molecular consequence: missense variant.
Genome position (GRCh38, 1-based): chr19:11,173,013, G>A on the plus strand (C>T on the coding strand, the complement: KANK2 is on the minus strand). VCF-style: chr19-11173013-G-A. GRCh37 (hg19) VCF-style: chr19-11283689-G-A.
Other names: c.2179C>T, p.Arg727Trp (NM_001329451.2, NM_001379555.1, NM_001379556.1 and 7 more transcripts); c.2203C>T, p.Arg735Trp (NM_001379548.1, NM_001379549.1, NM_001379550.1 and 5 more transcripts); c.2203C>T (NM_015493.6); short protein forms R735W, R727W.
Identifiers: ClinVar variation 2192461 (VCV002192461.5), dbSNP rs779350628, ClinGen allele CA9205353.

ClinVar aggregate classification (germline): Uncertain significance. Review status: criteria provided, multiple submitters, no conflicts (2 of 4 stars). 2 submissions from 2 submitters: Uncertain significance (2). Last evaluated 2023-11-02.

Allele frequency attached by ClinVar (database versions not stated): ExAC 0.00001; gnomAD 0.00001; TOPMed 0.00001; gnomAD exomes 0.00002.
gnomAD v4.1: 30 of 1,613,886 alleles (0.0019%); highest among the groups gnomAD compares: African/African-American, 0.004%; no homozygotes.

Submissions (2):

Ambry Genetics
Classification: Uncertain significance. Last evaluated: 2023-11-02. Review status: criteria provided, single submitter. Criteria: Ambry Variant Classification Scheme 2023. Collection method: clinical testing. Allele origin: germline.

Labcorp Genetics (formerly Invitae), Labcorp
Classification: Uncertain significance. Last evaluated: 2022-03-12. Review status: criteria provided, single submitter. Criteria: Invitae Variant Classification Sherloc (09022015). Collection method: clinical testing. Allele origin: germline.
Comment: This variant is present in population databases (rs779350628, gnomAD 0.01%). In summary, the available evidence is currently insufficient to determine the role of this variant in disease. Therefore, it has been classified as a Variant of Uncertain Significance. Algorithms developed to predict the effect of missense changes on protein structure and function (SIFT, PolyPhen-2, Align-GVGD) all suggest that this variant is likely to be disruptive. This variant has not been reported in the literature in individuals affected with KANK2-related conditions. This sequence change replaces arginine, which is basic and polar, with tryptophan, which is neutral and slightly polar, at codon 727 of the KANK2 protein (p.Arg727Trp).